The following continues an entry in ClinVar:

NM_170707.4(LMNA):c.1004G>A (p.Arg335Gln)

Gene: LMNA. ClinVar aggregate classification (germline): Conflicting classifications of pathogenicity. Likely pathogenic (2); Uncertain significance (10).

Submissions 10 to 14 of 14:

All of Us Research Program, National Institutes of Health
Classification: Uncertain significance for Primary dilated cardiomyopathy. Last evaluated: 2023-12-13. Review status: criteria provided, single submitter. Criteria: ACMG Guidelines, 2015. Collection method: clinical testing. Allele origin: germline. Inheritance: Autosomal dominant inheritance. Observed: 12 variant alleles, 12 heterozygotes.
Comment: This missense variant replaces arginine with glutamine at codon 335 of the lamin A/C proteins. Computational prediction is inconclusive regarding the impact of this variant on protein structure and function (internally defined REVEL score threshold 0.5 < inconclusive < 0.7, PMID: 27666373). To our knowledge, functional studies have not been reported for this variant. This variant has been reported in individuals affected with dilated cardiomyopathy (PMID: 23062543, 28416588, 34975533). This variant has also been identified in 20/281664 chromosomes in the general population by the Genome Aggregation Database (gnomAD). A different missense variant at this codon (p.Arg335Trp) is considered to be pathogenic (Clinvar variation ID 36473), suggesting that arginine at this amino acid position is important for the protein function. However, due to the observations in the general population and limited reports of affected carriers, the available evidence is insufficient to determine the role of this variant in disease conclusively. Therefore, this variant is classified as a Variant of Uncertain Significance.

This study involves interpretation of variants in research participants for the purpose of population health screening. Participant phenotype was not available at the time of variant classification. Additional details can be found in publication PMID: 35346344, PMCID: PMC8962531

Eurofins Ntd Llc (ga)
Classification: Uncertain significance. Last evaluated: 2017-04-05. Review status: criteria provided, single submitter. Criteria: EGL Classification Definitions 2015. Collection method: clinical testing. Allele origin: germline. Observed: 1 variant allele, 1 heterozygote.

Molecular Genetics Laboratory, London Health Sciences Centre
Classification: Uncertain significance for Charcot-Marie-Tooth disease. Review status: criteria provided, single submitter. Criteria: ACMG Guidelines, 2015. Collection method: clinical testing. Allele origin: germline. Affected: yes.

Clinical Genetics, Academic Medical Center
Classification: Uncertain significance. Review status: no assertion criteria provided. Collection method: clinical testing. Allele origin: germline. Affected: yes. Study: VKGL Data-share Consensus. Not counted in ClinVar's aggregate classification.

Joint Genome Diagnostic Labs from Nijmegen and Maastricht, Radboudumc and MUMC+
Classification: Uncertain significance. Review status: no assertion criteria provided. Collection method: clinical testing. Allele origin: germline. Affected: yes. Study: VKGL Data-share Consensus. Not counted in ClinVar's aggregate classification.

Literature cited by the submitters: PubMed 23062543 (cited by 6 submitters); PubMed 28663758 (cited by Ambry Genetics); PubMed 30847666 (cited by Ambry Genetics); PubMed 31514951 (cited by Ambry Genetics); PubMed 31744510 (cited by Ambry Genetics); PubMed 32041611 (cited by Ambry Genetics); PubMed 32413188 (cited by Ambry Genetics); PubMed 34975533 (cited by 5 submitters); PubMed 35026164 (cited by Ambry Genetics and Color Diagnostics, LLC DBA Color Health); PubMed 36396199 (cited by Ambry Genetics); PubMed 42062469 (cited by Ambry Genetics); PubMed 28416588 (cited by 4 submitters); PubMed 28790152 (cited by Labcorp Genetics (formerly Invitae), Labcorp); PubMed 34862408 (cited by Labcorp Genetics (formerly Invitae), Labcorp); PubMed 37347242 (cited by Johns Hopkins Genomics, Johns Hopkins University).